The following is an entry in ClinVar:

NM_002386.4(MC1R):c.169G>A (p.Ala57Thr)

Gene: MC1R (melanocortin 1 receptor; plus strand). Cytogenetic location: 16q24.3.
Variant type: single nucleotide variant.
Coding change: c.169G>A on transcript NM_002386.4 (MANE Select); coding-DNA position 169, G replaced by A.
Protein change: p.Ala57Thr; replaces alanine 57 with threonine.
Molecular consequence: missense variant.
Genome position (GRCh38, 1-based): chr16:89,919,427, G>A. VCF-style: chr16-89919427-G-A. GRCh37 (hg19) VCF-style: chr16-89985835-G-A.
Other names: short protein forms A57T.
Identifiers: ClinVar variation 321419 (VCV000321419.15), dbSNP rs201632257, ClinGen allele CA8255512.

ClinVar aggregate classification (germline): Conflicting classifications of pathogenicity. Review status: criteria provided, conflicting classifications (1 of 4 stars). 2 submissions from 2 submitters: Uncertain significance (1); Likely benign (1). Last evaluated 2022-06-01.

Conditions:
Melanoma, cutaneous malignant, susceptibility to, 5. Also called: Cutaneous malignant melanoma 5. Identifiers: Orphanet 618, MedGen C2751295, MONDO:0013133, OMIM 613099.

Allele frequency attached by ClinVar (database versions not stated): TOPMed below 0.00001; ExAC 0.00003; 1000 Genomes Project 30x 0.00016; ESP Exome Variant Server 0.00016; 1000 Genomes Project 0.00020.
gnomAD v4.1: 17 of 1,613,242 alleles (0.0011%); highest among the groups gnomAD compares: South Asian, 0.0066%; no homozygotes.

Submissions (2):

Labcorp Genetics (formerly Invitae), Labcorp
Classification: Uncertain significance for Melanoma, cutaneous malignant, susceptibility to, 5. Last evaluated: 2022-06-01. Review status: criteria provided, single submitter. Criteria: Invitae Variant Classification Sherloc (09022015). Collection method: clinical testing. Allele origin: germline.
Comment: ClinVar contains an entry for this variant (Variation ID: 321419). In summary, the available evidence is currently insufficient to determine the role of this variant in disease. Therefore, it has been classified as a Variant of Uncertain Significance. Algorithms developed to predict the effect of missense changes on protein structure and function are either unavailable or do not agree on the potential impact of this missense change (SIFT: "Deleterious"; PolyPhen-2: "Benign"; Align-GVGD: "Class C0"). This variant has not been reported in the literature in individuals affected with MC1R-related conditions. This variant is present in population databases (rs201632257, gnomAD 0.01%). This sequence change replaces alanine, which is neutral and non-polar, with threonine, which is neutral and polar, at codon 57 of the MC1R protein (p.Ala57Thr).

Illumina Laboratory Services, Illumina
Classification: Likely benign for Melanoma, cutaneous malignant, susceptibility to, 5. Last evaluated: 2017-04-28. Review status: criteria provided, single submitter. Criteria: ICSL Variant Classification Criteria 13 December 2019. Collection method: clinical testing. Allele origin: germline.
Comment: This variant was observed as part of a predisposition screen in an ostensibly healthy population. A literature search was performed for the gene, cDNA change, and amino acid change (where applicable). No publications were found based on this search. Allele frequency data from public databases allowed determination this variant is unlikely to cause disease. Therefore, this variant is classified as likely benign.